The following is an entry in ClinVar:

NM_004655.4(AXIN2):c.2348C>T (p.Ala783Val)

Gene: AXIN2 (axin 2; minus strand). Cytogenetic location: 17q24.1.
Variant type: single nucleotide variant.
Coding change: c.2348C>T on transcript NM_004655.4 (MANE Select); coding-DNA position 2348, C replaced by T.
Protein change: p.Ala783Val; replaces alanine 783 with valine.
Molecular consequence: missense variant.
Genome position (GRCh38, 1-based): chr17:65,533,969, G>A on the plus strand (C>T on the coding strand, the complement: AXIN2 is on the minus strand). VCF-style: chr17-65533969-G-A. GRCh37 (hg19) VCF-style: chr17-63530087-G-A.
Other names: c.2153C>T, p.Ala718Val (NM_001363813.1); short protein forms A718V, A783V.
Identifiers: ClinVar variation 3693687 (VCV003693687.2).

ClinVar aggregate classification (germline): Uncertain significance (1 of 4 stars; one submission).

Conditions:
Oligodontia-cancer predisposition syndrome. Also called: TOOTH AGENESIS-COLORECTAL CANCER SYNDROME. Identifiers: Orphanet 300576, MedGen C1837750, MONDO:0012075, OMIM 608615. Disease mechanism: loss of function.

gnomAD v4.1: 1 of 1,614,084 alleles (0.000062%); highest among the groups gnomAD compares: African/African-American, 0.0013%; no homozygotes.

Submission:

Labcorp Genetics (formerly Invitae), Labcorp
Classification: Uncertain significance for Oligodontia-cancer predisposition syndrome. Last evaluated: 2024-02-15. Review status: criteria provided, single submitter. Criteria: Invitae Variant Classification Sherloc (09022015). Collection method: clinical testing. Allele origin: germline.
Comment: This sequence change replaces alanine, which is neutral and non-polar, with valine, which is neutral and non-polar, at codon 783 of the AXIN2 protein (p.Ala783Val). This variant is not present in population databases (gnomAD no frequency). This variant has not been reported in the literature in individuals affected with AXIN2-related conditions. Advanced modeling of protein sequence and biophysical properties (such as structural, functional, and spatial information, amino acid conservation, physicochemical variation, residue mobility, and thermodynamic stability) performed at Invitae indicates that this missense variant is not expected to disrupt AXIN2 protein function with a negative predictive value of 80%. In summary, the available evidence is currently insufficient to determine the role of this variant in disease. Therefore, it has been classified as a Variant of Uncertain Significance.